The following is an entry in ClinVar:

NM_001395207.1(SORBS2):c.549C>T (p.Ile183=)

Gene: SORBS2 (sorbin and SH3 domain containing 2; minus strand). Cytogenetic location: 4q35.1.
Variant type: single nucleotide variant.
Coding change: c.549C>T on transcript NM_001395207.1 (MANE Select); coding-DNA position 549, C replaced by T.
Protein change: p.Ile183=; no amino-acid change (isoleucine 183 retained).
Molecular consequence: synonymous variant.
Genome position (GRCh38, 1-based): chr4:185,657,442, G>A on the plus strand (C>T on the coding strand, the complement: SORBS2 is on the minus strand). VCF-style: chr4-185657442-G-A. GRCh37 (hg19) VCF-style: chr4-186578596-G-A.
Other names: c.438C>T, p.Ile146= (NM_001394262.1, NM_001394263.1, NM_001394248.1 and 1 more transcripts); c.249C>T, p.Ile83= (NM_001394264.1, NM_001394266.1, NM_001394267.1 and 9 more transcripts); c.387C>T, p.Ile129= (NM_001394265.1, NM_003603.7); c.1503C>T, p.Ile501= (NM_001394276.1); c.507C>T, p.Ile169= (NM_001394257.1, NM_001394259.1, NM_001394260.1 and 8 more transcripts); c.456C>T, p.Ile152= (NM_001394261.1, NM_001145672.2); c.786C>T, p.Ile262= (NM_001145673.3); c.549C>T, p.Ile183= (NM_001270771.3, NM_001394251.1, NM_001394252.1 and 1 more transcripts).
Identifiers: ClinVar variation 3025068 (VCV003025068.22), dbSNP rs140939381, ClinGen allele CA3160903.
Genomic context (GRCh38, chr4:185,657,442, plus strand): 5'-TGTGCACAGCCCCAGACAGACGCACACGCTGGCATTTCCTACCGTTCTAATTGCTGTGGG[G>A]ATTCCGGATTCATCCACGGGCCCGATCCCTGGGTAATGCGGGGCTTTGATGACTGTCACT-3'
Protein context (NP_001382136.1, residues 173-193): PGIGPVDESG[Ile183=]PTAIRTTVDR

ClinVar aggregate classification (germline): Likely benign (1 of 4 stars; one submission).

Allele frequency attached by ClinVar (database versions not stated): ESP Exome Variant Server 0.00038; 1000 Genomes Project 0.00040; 1000 Genomes Project 30x 0.00047; gnomAD 0.00055; TOPMed 0.00062; ExAC 0.00069.
gnomAD v4.1: 1,009 of 1,557,984 alleles (0.065%); highest among the groups gnomAD compares: Admixed American, 0.08%; 1 homozygote.

Submission:

CeGaT Center for Human Genetics Tuebingen
Classification: Likely benign. Last evaluated: 2024-02-01. Review status: criteria provided, single submitter. Criteria: CeGaT Center For Human Genetics Tuebingen Variant Classification Criteria Version 2. Collection method: clinical testing. Allele origin: germline. Affected: yes. Observed: 1 variant allele.
Comment: SORBS2: BP4